The following is an entry in ClinVar:

NM_000051.4(ATM):c.7115A>T (p.Asp2372Val)

Genes: ATM (ATM serine/threonine kinase; plus strand), C11orf65 (chromosome 11 open reading frame 65; minus strand). Cytogenetic location: 11q22.3.
Variant type: single nucleotide variant.
Coding change: c.7115A>T on transcript NM_000051.4 (MANE Select); coding-DNA position 7115, A replaced by T.
Protein change: p.Asp2372Val; replaces aspartic acid 2372 with valine.
Molecular consequence: missense variant. On other transcripts: intron variant (2).
Genome position (GRCh38, 1-based): chr11:108,329,046, A>T. VCF-style: chr11-108329046-A-T. GRCh37 (hg19) VCF-style: chr11-108199773-A-T.
Other names: c.7115A>T, p.Asp2372Val (NM_001351834.2); c.641-19975T>A (NM_001330368.2); c.*38+6174T>A (NM_001351110.2); short protein forms D2372V.
Identifiers: ClinVar variation 919109 (VCV000919109.7), dbSNP rs2085976203, ClinGen allele CA382559429.

ClinVar aggregate classification (germline): Uncertain significance. Review status: criteria provided, multiple submitters, no conflicts (2 of 4 stars). 2 submissions from 2 submitters: Uncertain significance (2). Last evaluated 2023-05-05.

Conditions:
Hereditary cancer-predisposing syndrome. Also called: Tumor predisposition; Neoplastic Syndromes, Hereditary; Hereditary neoplastic syndrome; Hereditary Cancer Syndrome. Identifiers: Orphanet 140162, MedGen C0027672, MeSH D009386, MONDO:0015356.
Ataxia-telangiectasia syndrome (AT). Also called: Ataxia-telangiectasia, complementation group D; AT, COMPLEMENTATION GROUP C; ATAXIA-TELANGIECTASIA, COMPLEMENTATION GROUP A; ATAXIA-TELANGIECTASIA, FRESNO VARIANT; Ataxia-telangiectasia; Ataxia telangiectasia (A-T). Identifiers: Orphanet 100, MedGen C0004135, MONDO:0008840, OMIM 208900.

Submissions (2):

Labcorp Genetics (formerly Invitae), Labcorp
Classification: Uncertain significance for Ataxia-telangiectasia syndrome. Last evaluated: 2023-05-05. Review status: criteria provided, single submitter. Criteria: Invitae Variant Classification Sherloc (09022015). Collection method: clinical testing. Allele origin: germline.
Comment: This variant has not been reported in the literature in individuals affected with ATM-related conditions. This variant is not present in population databases (gnomAD no frequency). This sequence change replaces aspartic acid, which is acidic and polar, with valine, which is neutral and non-polar, at codon 2372 of the ATM protein (p.Asp2372Val). ClinVar contains an entry for this variant (Variation ID: 919109). In summary, the available evidence is currently insufficient to determine the role of this variant in disease. Therefore, it has been classified as a Variant of Uncertain Significance. An algorithm developed to predict the effect of missense changes on protein structure and function (PolyPhen-2) suggests that this variant is likely to be tolerated.

Color Diagnostics, LLC DBA Color Health
Classification: Uncertain significance for Hereditary cancer-predisposing syndrome. Last evaluated: 2018-12-24. Review status: criteria provided, single submitter. Criteria: ACMG Guidelines, 2015. Collection method: clinical testing. Allele origin: germline.